The following is an entry in ClinVar:

NM_005087.4(FXR1):c.1603+790_1603+793del

Gene: FXR1 (FMR1 autosomal homolog 1; plus strand). Cytogenetic location: 3q26.33.
Variant type: Deletion.
Coding change: c.1603+790_1603+793del on transcript NM_005087.4 (MANE Select); bases 790 to 793 of the intron after coding-DNA position 1603, 4 bases deleted (ACAG; older notation c.1603+790_1603+793delACAG).
Molecular consequence: intron variant.
Genome position (GRCh38, 1-based): chr3:180,971,148-180,971,151, ACAG deleted; deleting any 4 consecutive bases within chr3:180,971,146-180,971,151 gives the same sequence; the c. name uses the placement nearest the transcript's 3' end. VCF-style (leftmost placement, unchanged base first): chr3-180971145-TAGAC-T. GRCh37 (hg19) VCF-style: chr3-180688933-TAGAC-T.
Other names: c.1348+790_1348+793del (NM_001013439.3, NM_001363882.1); c.1603+790_1603+793del (NM_001013438.3).
Identifiers: ClinVar variation 828056 (VCV000828056.4), dbSNP rs1577005361, ClinGen allele CA915940952.

ClinVar aggregate classification (germline): Likely pathogenic. Review status: criteria provided, single submitter (1 of 4 stars). 2 submissions from 2 submitters: Likely pathogenic (1). 1 of the submissions does not count toward it. Last evaluated 2025-11-06.

Conditions:
Myopathy, congenital, with respiratory insufficiency and bone fractures. Identifiers: MedGen C5394189, MONDO:0032936, OMIM 618822.
FXR1-related disorder.

Submissions (2):

3billion
Classification: Likely pathogenic for FXR1-related disorder. Last evaluated: 2025-11-06. Review status: criteria provided, single submitter. Criteria: ACMG Guidelines, 2015. Collection method: clinical testing. Allele origin: germline. Affected: yes.
Comment: The variant is observed at an extremely low frequency in the gnomAD v4.1.0 dataset (total allele frequency: <0.001%). Predicted Consequence/Location: Intron variant Functional studies provide strong evidence of the variant having a damaging effect on the gene or gene product (PMID: 30770808). In silico tools do not predict the variant to alter splicing and produce an abnormal transcript [SpliceAI: 0.06 (<=0.1, moderate evidence for non-spliceogenicity)]. However, functional analysis for splicing alteration may yield varying results. The variant has been reported to be in trans with a pathogenic variant as either compound heterozygous or homozygous in at least one similarly affected unrelated individual (PMID: 30770808). The variant has been reported to be associated with FXR1-related disorder (ClinVar ID: VCV000828056). Therefore, this variant is classified as Likely pathogenic according to the recommendation of ACMG/AMP guideline.

OMIM
Classification: Pathogenic for CONGENITAL MYOPATHY 9A WITH RESPIRATORY INSUFFICIENCY AND BONE FRACTURES (1 family). Last evaluated: 2024-07-16. Review status: no assertion criteria provided. Collection method: literature only. Allele origin: germline. Not counted in ClinVar's aggregate classification.

Literature cited by the submitters: PubMed 30770808 (cited by 3billion and OMIM).